The following is an entry in ClinVar:

ClinVar aggregate classification (germline): Uncertain significance. Review status: criteria provided, multiple submitters, no conflicts (2 of 4 stars). 3 submissions from 3 submitters: Uncertain significance (3). Last evaluated 2025-10-17.

Conditions:
Inborn genetic diseases. Identifiers: MedGen C0950123, MeSH D030342.

Allele frequency attached by ClinVar (database versions not stated): ExAC 0.00001; TOPMed 0.00001; gnomAD exomes 0.00002.
gnomAD v4.1: 20 of 1,210,300 alleles (0.0017%); highest among the groups gnomAD compares: Admixed American, 0.0022%; no homozygotes.

Submissions (3):

Dasa
Classification: Uncertain significance. Last evaluated: 2025-10-17. Review status: criteria provided, single submitter. Criteria: DASA Assertion Criteria. Collection method: clinical testing. Allele origin: germline.
Comment: NM_000273.3(GPR143):c.1157G>A (p.Ser386Asn) is a missense variant that results in the substitution of serine with asparagine. This variant is rare in population databases. The currently available literature and clinical evidence are not sufficient to establish a definitive association between this variant and the reported condition. Therefore, this variant is classified as a variant of uncertain significance.

Labcorp Genetics (formerly Invitae), Labcorp
Classification: Uncertain significance. Last evaluated: 2025-02-24. Review status: criteria provided, single submitter. Criteria: Invitae Variant Classification Sherloc (09022015). Collection method: clinical testing. Allele origin: germline.
Comment: This sequence change replaces serine, which is neutral and polar, with asparagine, which is neutral and polar, at codon 386 of the GPR143 protein (p.Ser386Asn). This variant is present in population databases (rs770745735, gnomAD 0.004%). This variant has not been reported in the literature in individuals affected with GPR143-related conditions. ClinVar contains an entry for this variant (Variation ID: 2058588). Invitae Evidence Modeling of protein sequence and biophysical properties (such as structural, functional, and spatial information, amino acid conservation, physicochemical variation, residue mobility, and thermodynamic stability) indicates that this missense variant is not expected to disrupt GPR143 protein function with a negative predictive value of 95%. In summary, the available evidence is currently insufficient to determine the role of this variant in disease. Therefore, it has been classified as a Variant of Uncertain Significance.

Ambry Genetics
Classification: Uncertain significance for Inborn genetic diseases. Last evaluated: 2021-08-10. Review status: criteria provided, single submitter. Criteria: Ambry Variant Classification Scheme 2023. Collection method: clinical testing. Allele origin: germline.

NM_000273.3(GPR143):c.1157G>A (p.Ser386Asn)

Gene: GPR143 (G protein-coupled receptor 143; minus strand). Cytogenetic location: Xp22.2.
Variant type: single nucleotide variant.
Coding change: c.1157G>A on transcript NM_000273.3 (MANE Select); coding-DNA position 1157, G replaced by A.
Protein change: p.Ser386Asn; replaces serine 386 with asparagine.
Molecular consequence: missense variant.
Genome position (GRCh38, 1-based): chrX:9,725,804, C>T on the plus strand (G>A on the coding strand, the complement: GPR143 is on the minus strand). VCF-style: chrX-9725804-C-T. GRCh37 (hg19) VCF-style: chrX-9693844-C-T.
Other names: short protein forms S386N.
Identifiers: ClinVar variation 2058588 (VCV002058588.7), dbSNP rs770745735, ClinGen allele CA10344870.
Genomic context (GRCh38, chrX:9,725,804, plus strand): 5'-CTTCATAGGTCTCCATGGGTTGGGAGAGCAGGGTCACCCTCATTTTTGTTGCAGGATTCA[C>T]TTGCAGTGTGAATTTCAATTGTGCTGGCATCAGAACCTGGAGAGGAAAAGACAAAAGACT-3'
Protein context (NP_000264.2, residues 376-396): DASTIEIHTA[Ser386Asn]ESCNKNEGDP